The following is an entry in ClinVar:

NM_004260.4(RECQL4):c.3301A>C (p.Lys1101Gln)

Gene: RECQL4 (RecQ like helicase 4; minus strand). Cytogenetic location: 8q24.3.
Variant type: single nucleotide variant.
Coding change: c.3301A>C on transcript NM_004260.4 (MANE Select); coding-DNA position 3301, A replaced by C.
Protein change: p.Lys1101Gln; replaces lysine 1101 with glutamine.
Molecular consequence: missense variant.
Genome position (GRCh38, 1-based): chr8:144,512,003, T>G on the plus strand (A>C on the coding strand, the complement: RECQL4 is on the minus strand). VCF-style: chr8-144512003-T-G. GRCh37 (hg19) VCF-style: chr8-145737386-T-G.
Other names: short protein forms K1101Q.
Identifiers: ClinVar variation 407020 (VCV000407020.6), dbSNP rs1060501381, ClinGen allele CA16612363.

ClinVar aggregate classification (germline): Uncertain significance (1 of 4 stars; one submission).

Conditions:
Baller-Gerold syndrome (BGS). Also called: CRANIOSYNOSTOSIS WITH RADIAL DEFECTS. Identifiers: Orphanet 1225, MedGen C0265308, MONDO:0009039, OMIM 218600.

Allele frequency attached by ClinVar (database versions not stated): TOPMed below 0.00001; gnomAD 0.00001; gnomAD exomes 0.00001.
gnomAD v4.1: 10 of 1,609,714 alleles (0.00062%); highest among the groups gnomAD compares: Non-Finnish European, 0.00085%; no homozygotes.

Submission:

Labcorp Genetics (formerly Invitae), Labcorp
Classification: Uncertain significance for Baller-Gerold syndrome. Last evaluated: 2023-08-22. Review status: criteria provided, single submitter. Criteria: Invitae Variant Classification Sherloc (09022015). Collection method: clinical testing. Allele origin: germline.
Comment: ClinVar contains an entry for this variant (Variation ID: 407020). In summary, the available evidence is currently insufficient to determine the role of this variant in disease. Therefore, it has been classified as a Variant of Uncertain Significance. Advanced modeling of protein sequence and biophysical properties (such as structural, functional, and spatial information, amino acid conservation, physicochemical variation, residue mobility, and thermodynamic stability) performed at Invitae indicates that this missense variant is expected to disrupt RECQL4 protein function. This variant has not been reported in the literature in individuals affected with RECQL4-related conditions. This variant is not present in population databases (gnomAD no frequency). This sequence change replaces lysine, which is basic and polar, with glutamine, which is neutral and polar, at codon 1101 of the RECQL4 protein (p.Lys1101Gln).